The following is an entry in ClinVar:

ClinVar aggregate classification (germline): Likely benign. Review status: criteria provided, single submitter (1 of 4 stars). 2 submissions from 2 submitters: Likely benign (1). 1 of the submissions does not count toward it. Last evaluated 2024-10-29.

Conditions:
TRAPPC11-related disorder. Also called: TRAPPC11-related condition.
Autosomal recessive limb-girdle muscular dystrophy type R18 (LGMDR18). Also called: Limb-girdle muscular dystrophy, type 2S; MUSCULAR DYSTROPHY, LIMB-GIRDLE, AUTOSOMAL RECESSIVE 18; Autosomal recessive limb-girdle muscular dystrophy type 2S. Identifiers: Orphanet 369840, MedGen C4517996, MONDO:0014144, OMIM 615356.

gnomAD v4.1: 42 of 1,598,582 alleles (0.0026%); highest among the groups gnomAD compares: East Asian, 0.0045%; no homozygotes.

Submissions (2):

Labcorp Genetics (formerly Invitae), Labcorp
Classification: Likely benign for Autosomal recessive limb-girdle muscular dystrophy type R18. Last evaluated: 2024-10-29. Review status: criteria provided, single submitter. Criteria: Invitae Variant Classification Sherloc (09022015). Collection method: clinical testing. Allele origin: germline.

PreventionGenetics, part of Exact Sciences
Classification: Likely benign for TRAPPC11-related condition. Last evaluated: 2022-11-03. Review status: no assertion criteria provided. Collection method: clinical testing. Allele origin: germline. Not counted in ClinVar's aggregate classification.
Comment: This variant is classified as likely benign based on ACMG/AMP sequence variant interpretation guidelines (Richards et al. 2015 PMID: 25741868, with internal and published modifications).

NM_021942.6(TRAPPC11):c.3015G>A (p.Pro1005=)

Gene: TRAPPC11 (trafficking protein particle complex subunit 11; plus strand). Cytogenetic location: 4q35.1.
Variant type: single nucleotide variant.
Coding change: c.3015G>A on transcript NM_021942.6 (MANE Select); coding-DNA position 3015, G replaced by A.
Protein change: p.Pro1005=; no amino-acid change (proline 1005 retained).
Molecular consequence: synonymous variant.
Genome position (GRCh38, 1-based): chr4:183,705,030, G>A. VCF-style: chr4-183705030-G-A. GRCh37 (hg19) VCF-style: chr4-184626183-G-A.
Other names: c.3015G>A, p.Pro1005= (NM_199053.3); c.3015G>A (NM_021942.5).
Identifiers: ClinVar variation 1109840 (VCV001109840.11), dbSNP rs532244366, ClinGen allele CA3152411.